The following is an entry in ClinVar:

ClinVar aggregate classification (germline): Uncertain significance (1 of 4 stars; one submission).

gnomAD v4.1: 1 of 1,167,912 alleles (0.000086%); highest among the groups gnomAD compares: Non-Finnish European, 0.00011%; no homozygotes.

Submission:

GeneDx
Classification: Uncertain significance. Last evaluated: 2020-01-31. Review status: criteria provided, single submitter. Criteria: GeneDx Variant Classification Process June 2021. Collection method: clinical testing. Allele origin: germline. Affected: yes.
Comment: Not observed in large population cohorts (Lek et al., 2016); In silico analysis supports that this missense variant does not alter protein structure/function; Has not been previously published as pathogenic or benign to our knowledge

NM_005120.3(MED12):c.6365A>G (p.Gln2122Arg)

Gene: MED12 (mediator complex subunit 12; plus strand). Cytogenetic location: Xq13.1.
Variant type: single nucleotide variant.
Coding change: c.6365A>G on transcript NM_005120.3 (MANE Select); coding-DNA position 6365, A replaced by G.
Protein change: p.Gln2122Arg; replaces glutamine 2122 with arginine.
Molecular consequence: missense variant.
Genome position (GRCh38, 1-based): chrX:71,141,327, A>G. VCF-style: chrX-71141327-A-G. GRCh37 (hg19) VCF-style: chrX-70361177-A-G.
Other names: short protein forms Q2122R.
Identifiers: ClinVar variation 1312013 (VCV001312013.2), dbSNP rs2147842352, ClinGen allele CA413542275.